The following is an entry in ClinVar:

ClinVar aggregate classification (germline): Uncertain significance. Review status: criteria provided, multiple submitters, no conflicts (2 of 4 stars). 5 submissions from 5 submitters: Uncertain significance (5). Last evaluated 2025-08-11.

Conditions:
Hereditary cancer-predisposing syndrome. Also called: Hereditary Cancer Syndrome; Tumor predisposition; Neoplastic Syndromes, Hereditary; Hereditary neoplastic syndrome. Identifiers: Orphanet 140162, MedGen C0027672, MeSH D009386, MONDO:0015356.
Familial cancer of breast. Also called: hereditary breast carcinoma; BREAST CANCER, FAMILIAL; Hereditary breast cancer. Identifiers: Orphanet 227535, MedGen C0346153, MONDO:0016419, OMIM 114480. Disease mechanism: loss of function.
Ataxia-telangiectasia syndrome (AT). Also called: ATAXIA-TELANGIECTASIA, COMPLEMENTATION GROUP A; ATAXIA-TELANGIECTASIA, FRESNO VARIANT; Ataxia-telangiectasia; Ataxia-telangiectasia, complementation group E; Cerebello-oculocutaneous telangiectasia; Immunodeficiency with ataxia telangiectasia. Identifiers: Orphanet 100, MedGen C0004135, MONDO:0008840, OMIM 208900.

Allele frequency attached by ClinVar (database versions not stated): gnomAD exomes below 0.00001.
gnomAD v4.1: 1 of 1,609,802 alleles (0.000062%); highest among the groups gnomAD compares: Non-Finnish European, 0.000085%; no homozygotes.

Submissions (5):

Color Diagnostics, LLC DBA Color Health
Classification: Uncertain significance for Hereditary cancer-predisposing syndrome. Last evaluated: 2025-08-11. Review status: criteria provided, single submitter. Criteria: ACMG Guidelines, 2015. Collection method: clinical testing. Allele origin: germline.
Comment: This missense variant replaces aspartic acid with asparagine at codon 2003 of the ATM protein. Computational prediction tools and conservation analyses suggest that this variant may not impact protein structure and function. To our knowledge, functional studies have not been performed for this variant. This variant has not been reported in individuals affected with hereditary cancer in the literature. This variant has not been identified in the general population by the Genome Aggregation Database (gnomAD). The available evidence is insufficient to determine the role of this variant in disease conclusively. Therefore, this variant is classified as a Variant of Uncertain Significance.

Labcorp Genetics (formerly Invitae), Labcorp
Classification: Uncertain significance for Ataxia-telangiectasia syndrome. Last evaluated: 2025-07-08. Review status: criteria provided, single submitter. Criteria: Invitae Variant Classification Sherloc (09022015). Collection method: clinical testing. Allele origin: germline.
Comment: This sequence change replaces aspartic acid, which is acidic and polar, with asparagine, which is neutral and polar, at codon 2003 of the ATM protein (p.Asp2003Asn). This variant is not present in population databases (gnomAD no frequency). This variant has not been reported in the literature in individuals affected with ATM-related conditions. ClinVar contains an entry for this variant (Variation ID: 181972). An algorithm developed to predict the effect of missense changes on protein structure and function (PolyPhen-2) suggests that this variant is likely to be tolerated. In summary, the available evidence is currently insufficient to determine the role of this variant in disease. Therefore, it has been classified as a Variant of Uncertain Significance.

MGZ Medical Genetics Center
Classification: Uncertain significance for Familial cancer of breast. Last evaluated: 2021-12-17. Review status: criteria provided, single submitter. Criteria: ACMG Guidelines, 2015. Collection method: clinical testing. Allele origin: germline. Affected: yes. Observed: 1 variant allele.
Comment: ACMG criteria applied: PM2_SUP, BP4

Ambry Genetics
Classification: Uncertain significance for Hereditary cancer-predisposing syndrome. Last evaluated: 2021-02-25. Review status: criteria provided, single submitter. Criteria: Ambry Variant Classification Scheme 2023. Collection method: clinical testing. Allele origin: germline.
Comment: The p.D2003N variant (also known as c.6007G>A) is located in coding exon 40 of the ATM gene. The aspartic acid at codon 2003 is replaced by asparagine, an amino acid with highly similar properties. This change occurs in the first base pair of coding exon 40. This amino acid position is well conserved in available vertebrate species. In addition, this alteration is predicted to be tolerated by in silico analysis. Since supporting evidence is limited at this time, the clinical significance of this alteration remains unclear.

GeneDx
Classification: Uncertain significance. Last evaluated: 2014-09-11. Review status: criteria provided, single submitter. Criteria: GeneDx Variant Classification (06012015). Collection method: clinical testing. Allele origin: germline. Affected: yes.
Comment: This variant is denoted ATM c.6007G>A at the cDNA level, p.Asp2003Asn (D2003N) at the protein level, and results in the change of an Aspartic Acid to an Asparagine (GAT>AAT). This variant has not, to our knowledge, been published in the literature as pathogenic or benign. ATM Asp2003Asn was not observed in approximately 6,500 individuals of European and African American ancestry in the NHLBI Exome Sequencing Project, indicating it is not a common benign variant in these populations. Since Aspartic Acid and Asparagine differ in some properties, this is considered a semi-conservative amino acid substitution. ATM Asp2003Asn occurs at a position that is highly conserved through mammals and is located in the FAT domain (UniProt). In silico analyses predict that this variant is probably damaging to protein structure and function. Based on currently available information, it is unclear whether ATM Asp2003Asn is pathogenic or benign. We consider it to be a variant of uncertain significance.

NM_000051.4(ATM):c.6007G>A (p.Asp2003Asn)

Genes: ATM (ATM serine/threonine kinase; plus strand), C11orf65 (chromosome 11 open reading frame 65; minus strand). Cytogenetic location: 11q22.3.
Variant type: single nucleotide variant.
Coding change: c.6007G>A on transcript NM_000051.4 (MANE Select); coding-DNA position 6007, G replaced by A.
Protein change: p.Asp2003Asn; replaces aspartic acid 2003 with asparagine.
Molecular consequence: missense variant. On other transcripts: intron variant (2).
Genome position (GRCh38, 1-based): chr11:108,315,823, G>A. VCF-style: chr11-108315823-G-A. GRCh37 (hg19) VCF-style: chr11-108186550-G-A.
Other names: p.D2003N:GAT>AAT; c.6007G>A, p.Asp2003Asn (NM_001351834.2); c.641-6752C>T (NM_001330368.2); c.*39-6752C>T (NM_001351110.2); short protein forms D2003N.
Identifiers: ClinVar variation 181972 (VCV000181972.21), dbSNP rs730881378, ClinGen allele CA298290.